The following is an entry in ClinVar:

ClinVar aggregate classification (germline): Uncertain significance (1 of 4 stars; one submission).

Conditions:
Pyruvate carboxylase deficiency. Also called: ATAXIA WITH LACTIC ACIDOSIS II; LEIGH NECROTIZING ENCEPHALOPATHY DUE TO PYRUVATE CARBOXYLASE DEFICIENCY; LEIGH SYNDROME DUE TO PYRUVATE CARBOXYLASE DEFICIENCY; PC DEFICIENCY; Pyruvate Carboxylase Deficiency Disease. Identifiers: Orphanet 3008, MedGen C0034341, MONDO:0009949, OMIM 266150.

Submission:

Labcorp Genetics (formerly Invitae), Labcorp
Classification: Uncertain significance for Pyruvate carboxylase deficiency. Last evaluated: 2024-10-13. Review status: criteria provided, single submitter. Criteria: Invitae Variant Classification Sherloc (09022015). Collection method: clinical testing. Allele origin: germline.
Comment: This variant, c.2710_2712del, results in the deletion of 1 amino acid(s) of the PC protein (p.Leu904del), but otherwise preserves the integrity of the reading frame. This variant is not present in population databases (gnomAD no frequency). This variant has not been reported in the literature in individuals affected with PC-related conditions. Experimental studies and prediction algorithms are not available or were not evaluated, and the functional significance of this variant is currently unknown. In summary, the available evidence is currently insufficient to determine the role of this variant in disease. Therefore, it has been classified as a Variant of Uncertain Significance.

NM_001040716.2(PC):c.2710_2712del (p.Leu904del)

Gene: PC (pyruvate carboxylase; minus strand). Cytogenetic location: 11q13.2.
Variant type: Deletion.
Coding change: c.2710_2712del on transcript NM_001040716.2 (MANE Select); coding-DNA positions 2710 to 2712, 3 bases deleted (CTC; older notation c.2710_2712delCTC).
Protein change: p.Leu904del; deletes leucine 904.
Genome position (GRCh38, 1-based): chr11:66,850,226-66,850,228, GAG deleted on the plus strand (CTC on the coding strand, the reverse complement: PC is on the minus strand). VCF-style (leftmost placement, unchanged base first): chr11-66850225-TGAG-T. GRCh37 (hg19) VCF-style: chr11-66617696-TGAG-T.
Other names: c.2710_2712del, p.Leu904del (NM_000920.4, NM_022172.3); short protein forms L904del.
Identifiers: ClinVar variation 3692315 (VCV003692315.2).